The following is an entry in ClinVar:

ClinVar aggregate classification (germline): Pathogenic (1 of 4 stars; one submission).

Conditions:
Familial cancer of breast. Also called: BREAST CANCER, FAMILIAL; hereditary breast carcinoma; Hereditary breast cancer. Identifiers: Orphanet 227535, MedGen C0346153, MONDO:0016419, OMIM 114480. Disease mechanism: loss of function.

Submission:

Labcorp Genetics (formerly Invitae), Labcorp
Classification: Pathogenic for Familial cancer of breast. Last evaluated: 2021-06-25. Review status: criteria provided, single submitter. Criteria: Invitae Variant Classification Sherloc (09022015). Collection method: clinical testing. Allele origin: germline.
Comment: This variant is not present in population databases (ExAC no frequency). This sequence change creates a premature translational stop signal (p.Ser1084Alafs*8) in the PALB2 gene. It is expected to result in an absent or disrupted protein product. Loss-of-function variants in PALB2 are known to be pathogenic (PMID: 17200668, 24136930, 25099575). For these reasons, this variant has been classified as Pathogenic. This variant has not been reported in the literature in individuals with PALB2-related conditions.

Literature cited by the submitters: PubMed 17200668; PubMed 24136930; PubMed 25099575.

NM_024675.4(PALB2):c.3249_3258del (p.Ser1084fs)

Gene: PALB2 (partner and localizer of BRCA2; minus strand). Cytogenetic location: 16p12.2.
Variant type: Deletion.
Coding change: c.3249_3258del on transcript NM_024675.4 (MANE Select); coding-DNA positions 3249 to 3258, 10 bases deleted (GTCGTTGCGA; older notation c.3249_3258delGTCGTTGCGA).
Protein change: p.Ser1084fs; shifts the reading frame from serine 1084.
Molecular consequence: frameshift variant.
Genome position (GRCh38, 1-based): chr16:23,607,956-23,607,965, TCGCAACGAC deleted on the plus strand (GTCGTTGCGA on the coding strand, the reverse complement: PALB2 is on the minus strand); deleting any 10 consecutive bases within chr16:23,607,956-23,607,967 gives the same sequence; the c. name uses the placement nearest the transcript's 3' end. VCF-style (leftmost placement, unchanged base first): chr16-23607955-TTCGCAACGAC-T. GRCh37 (hg19) VCF-style: chr16-23619276-TTCGCAACGAC-T.
Other names: short protein forms S1084fs.
Identifiers: ClinVar variation 1456864 (VCV001456864.7), dbSNP rs2142273197, ClinGen allele CA2573152152.
Genomic context (GRCh38, chr16:23,607,955, plus strand): 5'-GCATCACACCCACGCTGAGAGTCGTCTTAGGGTTAATCACAATGAGCTGAAACACAGGGC[TTCGCAACGAC>T]TCACTCTCTTTGGCACAGGGATGACTCAGGACAATAAAGAGAAGCCCCTAATTTCGGAGA-3'